The following is an entry in ClinVar:

NM_025099.6(CTC1):c.3195_3203dup (p.Ala1067_Ile1068insMetThrAla)

Gene: CTC1 (CST telomere replication complex component 1; minus strand). Cytogenetic location: 17p13.1.
Variant type: Duplication.
Coding change: c.3195_3203dup on transcript NM_025099.6 (MANE Select); coding-DNA positions 3195 to 3203, 9 bases duplicated (GACAGCTAT; older notation c.3195_3203dupGACAGCTAT).
Protein change: p.Ala1067_Ile1068insMetThrAla.
Molecular consequence: inframe insertion. On other transcripts: intron variant (1).
Genome position (GRCh38, 1-based): chr17:8,229,160-8,229,168, ATAGCTGTC duplicated on the plus strand (GACAGCTAT on the coding strand, the reverse complement: CTC1 is on the minus strand). VCF-style (leftmost placement, unchanged base first): chr17-8229159-T-TATAGCTGTC. GRCh37 (hg19) VCF-style: chr17-8132477-T-TATAGCTGTC.
Other names: c.3156+134_3156+142dup (NM_001411067.1).
Identifiers: ClinVar variation 2854485 (VCV002854485.3), dbSNP rs2507868175, ClinGen allele CA2739267124.

ClinVar aggregate classification (germline): Uncertain significance (1 of 4 stars; one submission).

Conditions:
Dyskeratosis congenita. Identifiers: Orphanet 1775, MedGen C0265965, MONDO:0015780.

Submission:

Labcorp Genetics (formerly Invitae), Labcorp
Classification: Uncertain significance for Dyskeratosis congenita. Last evaluated: 2023-04-09. Review status: criteria provided, single submitter. Criteria: Invitae Variant Classification Sherloc (09022015). Collection method: clinical testing. Allele origin: germline.
Comment: This variant has not been reported in the literature in individuals affected with CTC1-related conditions. In summary, the available evidence is currently insufficient to determine the role of this variant in disease. Therefore, it has been classified as a Variant of Uncertain Significance. This variant is not present in population databases (gnomAD no frequency). This variant, c.3195_3203dup, results in the insertion of 3 amino acid(s) of the CTC1 protein (p.Ala1067_Ile1068insMetThrAla), but otherwise preserves the integrity of the reading frame.